The following is an entry in ClinVar:

NM_007194.4(CHEK2):c.133A>T (p.Thr45Ser)

Gene: CHEK2 (checkpoint kinase 2; minus strand). Cytogenetic location: 22q12.1.
Variant type: single nucleotide variant.
Coding change: c.133A>T on transcript NM_007194.4 (MANE Select); coding-DNA position 133, A replaced by T.
Protein change: p.Thr45Ser; replaces threonine 45 with serine.
Molecular consequence: missense variant. On other transcripts: 5 prime UTR variant (1), intron variant (1).
Genome position (GRCh38, 1-based): chr22:28,734,589, T>A on the plus strand (A>T on the coding strand, the complement: CHEK2 is on the minus strand). VCF-style: chr22-28734589-T-A. GRCh37 (hg19) VCF-style: chr22-29130577-T-A.
Other names: c.133A>T, p.Thr45Ser (NM_001005735.3, NM_001349956.3, NM_001438293.1 and 3 more transcripts); c.-645A>T (NM_001257387.3); c.-345+7180A>T (NM_001437942.1); short protein forms T45S.
Identifiers: ClinVar variation 4868929 (VCV004868929.1).
Genomic context (GRCh38, chr22:28,734,589, plus strand): 5'-TCTCTAAGGAGCTCAGTGTCCCAGAGCTGGAGTGAGAGGACTGGCTGGAGTTTGGCATCG[T>A]GCTGGTAGAGGAGCTGGATATGCCCTGGGACTGTGAGGAGGAGCCTTGGGACTGGGTAAC-3'
Protein context (NP_009125.1, residues 35-55): SQGISSSSTS[Thr45Ser]MPNSSQSSHS

ClinVar aggregate classification (germline): Uncertain significance (1 of 4 stars; one submission).

Conditions:
Hereditary cancer-predisposing syndrome. Also called: Neoplastic Syndromes, Hereditary; Tumor predisposition; Hereditary Cancer Syndrome; Hereditary neoplastic syndrome. Identifiers: Orphanet 140162, MedGen C0027672, MeSH D009386, MONDO:0015356.

Submission:

Ambry Genetics
Classification: Uncertain significance for Hereditary cancer-predisposing syndrome. Last evaluated: 2026-04-21. Review status: criteria provided, single submitter. Criteria: Ambry Variant Classification Scheme 2023. Collection method: clinical testing. Allele origin: germline.
Comment: The p.T45S variant (also known as c.133A>T), located in coding exon 1 of the CHEK2 gene, results from an A to T substitution at nucleotide position 133. The threonine at codon 45 is replaced by serine, an amino acid with similar properties. This amino acid position is well conserved in available vertebrate species. In addition, this alteration is predicted to be tolerated by in silico analysis. Based on the available evidence, the clinical significance of this variant remains unclear.